The following is an entry in ClinVar:

ClinVar aggregate classification (germline): Conflicting classifications of pathogenicity. Review status: criteria provided, conflicting classifications (1 of 4 stars). 2 submissions from 2 submitters: Uncertain significance (1); Benign (1). Last evaluated 2024-07-01.

Conditions:
CHD7-related disorder. Also called: CHD7-related condition.
CHARGE syndrome (CHARGE). Also called: Hittner Hirsch Kreh syndrome; CHARGE ASSOCIATION--COLOBOMA, HEART ANOMALY, CHOANAL ATRESIA, RETARDATION, GENITAL AND EAR ANOMALIES; Coloboma, heart anomaly, choanal atresia, retardation, genital and ear anomalies; CHARGE association; Hall-Hittner syndrome. Identifiers: Orphanet 138, MedGen C0265354, MONDO:0008965.

gnomAD v4.1: 1 of 1,516,534 alleles (0.000066%); highest among the groups gnomAD compares: Admixed American, 0.0023%; no homozygotes.

Submissions (2):

Labcorp Genetics (formerly Invitae), Labcorp
Classification: Benign for CHARGE syndrome. Last evaluated: 2024-07-01. Review status: criteria provided, single submitter. Criteria: Invitae Variant Classification Sherloc (09022015). Collection method: clinical testing. Allele origin: germline.

PreventionGenetics, part of Exact Sciences
Classification: Uncertain significance for CHD7-related condition. Last evaluated: 2022-08-30. Review status: criteria provided, single submitter. Criteria: ACMG Guidelines, 2015. Collection method: clinical testing. Allele origin: germline.
Comment: The CHD7 c.6744C>A variant is predicted to result in the amino acid substitution p.Asp2248Glu. To our knowledge, this variant has not been reported in the literature. This variant is reported in 0.0048% of alleles in individuals of Latino descent in gnomAD. At this time, the clinical significance of this variant is uncertain due to the absence of conclusive functional and genetic evidence.

NM_017780.4(CHD7):c.6744C>A (p.Asp2248Glu)

Gene: CHD7 (chromodomain helicase DNA binding protein 7; plus strand). Cytogenetic location: 8q12.2.
Variant type: single nucleotide variant.
Coding change: c.6744C>A on transcript NM_017780.4 (MANE Select); coding-DNA position 6744, C replaced by A.
Protein change: p.Asp2248Glu; replaces aspartic acid 2248 with glutamic acid.
Molecular consequence: missense variant. On other transcripts: intron variant (1).
Genome position (GRCh38, 1-based): chr8:60,853,469, C>A. VCF-style: chr8-60853469-C-A. GRCh37 (hg19) VCF-style: chr8-61766028-C-A.
Other names: c.6744C>A (NM_017780.3); c.1717-8760C>A (NM_001316690.1); short protein forms D2248E.
Identifiers: ClinVar variation 1989100 (VCV001989100.5), dbSNP rs1032877391, ClinGen allele CA371326239.